The following is an entry in ClinVar:

NM_033004.4(NLRP1):c.3367G>A (p.Val1123Met)

Gene: NLRP1 (NLR family pyrin domain containing 1; minus strand). Cytogenetic location: 17p13.2.
Variant type: single nucleotide variant.
Coding change: c.3367G>A on transcript NM_033004.4 (MANE Select); coding-DNA position 3367, G replaced by A.
Protein change: p.Val1123Met; replaces valine 1123 with methionine.
Molecular consequence: missense variant.
Genome position (GRCh38, 1-based): chr17:5,530,634, C>T on the plus strand (G>A on the coding strand, the complement: NLRP1 is on the minus strand). VCF-style: chr17-5530634-C-T. GRCh37 (hg19) VCF-style: chr17-5433954-C-T.
Other names: c.3379G>A, p.Val1127Met (NM_001033053.3); c.3367G>A, p.Val1123Met (NM_014922.5); c.3277G>A, p.Val1093Met (NM_033006.4, NM_033007.4); c.3367G>A (NM_033004.3); short protein forms V1093M, V1123M, V1127M.
Identifiers: ClinVar variation 2884976 (VCV002884976.4), dbSNP rs763899886, ClinGen allele CA8326843.

ClinVar aggregate classification (germline): Uncertain significance. Review status: criteria provided, multiple submitters, no conflicts (2 of 4 stars). 2 submissions from 2 submitters: Uncertain significance (2). Last evaluated 2025-10-06.

Conditions:
Inborn genetic diseases. Identifiers: MedGen C0950123, MeSH D030342.

Allele frequency attached by ClinVar (database versions not stated): gnomAD exomes 0.00002; gnomAD 0.00001; ExAC 0.00007.
gnomAD v4.1: 24 of 1,614,102 alleles (0.0015%); highest among the groups gnomAD compares: Admixed American, 0.037%; no homozygotes.

Submissions (2):

Labcorp Genetics (formerly Invitae), Labcorp
Classification: Uncertain significance. Last evaluated: 2025-10-06. Review status: criteria provided, single submitter. Criteria: Invitae Variant Classification Sherloc (09022015). Collection method: clinical testing. Allele origin: germline.
Comment: This sequence change replaces valine, which is neutral and non-polar, with methionine, which is neutral and non-polar, at codon 1123 of the NLRP1 protein (p.Val1123Met). This variant is present in population databases (rs763899886, gnomAD 0.06%). This variant has not been reported in the literature in individuals affected with NLRP1-related conditions. ClinVar contains an entry for this variant (Variation ID: 2884976). An algorithm developed to predict the effect of missense changes on protein structure and function (PolyPhen-2) suggests that this variant is likely to be disruptive. In summary, the available evidence is currently insufficient to determine the role of this variant in disease. Therefore, it has been classified as a Variant of Uncertain Significance.

Ambry Genetics
Classification: Uncertain significance for Inborn genetic diseases. Last evaluated: 2025-06-23. Review status: criteria provided, single submitter. Criteria: Ambry Variant Classification Scheme 2023. Collection method: clinical testing. Allele origin: germline.